The following is an entry in ClinVar:

ClinVar aggregate classification (germline): Uncertain significance (1 of 4 stars; one submission).

Conditions:
Neuromuscular disease caused by qualitative or quantitative defects of dysferlin. Also called: Qualitative or quantitative defects of dysferlin; Dysferlinopathy. Identifiers: Orphanet 207073, MedGen C2931687, MONDO:0016145.

Allele frequency attached by ClinVar (database versions not stated): gnomAD exomes below 0.00001.
gnomAD v4.1: 1 of 1,614,034 alleles (0.000062%); highest among the groups gnomAD compares: Non-Finnish European, 0.000085%; no homozygotes.

Submission:

Labcorp Genetics (formerly Invitae), Labcorp
Classification: Uncertain significance for Neuromuscular disease caused by qualitative or quantitative defects of dysferlin. Last evaluated: 2021-03-29. Review status: criteria provided, single submitter. Criteria: Invitae Variant Classification Sherloc (09022015). Collection method: clinical testing. Allele origin: germline.
Comment: This sequence change replaces methionine with valine at codon 399 of the DYSF protein (p.Met399Val). The methionine residue is moderately conserved and there is a small physicochemical difference between methionine and valine. This variant is not present in population databases (ExAC no frequency). This variant has not been reported in the literature in individuals with DYSF-related conditions. Advanced modeling of protein sequence and biophysical properties (such as structural, functional, and spatial information, amino acid conservation, physicochemical variation, residue mobility, and thermodynamic stability) performed at Invitae indicates that this missense variant is not expected to disrupt DYSF protein function. In summary, the available evidence is currently insufficient to determine the role of this variant in disease. Therefore, it has been classified as a Variant of Uncertain Significance.

NM_001130987.2(DYSF):c.1291A>G (p.Met431Val)

Gene: DYSF (dysferlin; plus strand). Cytogenetic location: 2p13.2.
Variant type: single nucleotide variant.
Coding change: c.1291A>G on transcript NM_001130987.2 (MANE Select); coding-DNA position 1291, A replaced by G.
Protein change: p.Met431Val; replaces methionine 431 with valine.
Molecular consequence: missense variant.
Genome position (GRCh38, 1-based): chr2:71,528,312, A>G. VCF-style: chr2-71528312-A-G. GRCh37 (hg19) VCF-style: chr2-71755442-A-G.
Other names: c.1198A>G, p.Met400Val (NM_001130455.2, NM_001130983.2, NM_001130984.2 and 1 more transcripts); c.1195A>G, p.Met399Val (NM_001130976.2, NM_001130977.2, NM_001130978.2 and 1 more transcripts); c.1288A>G, p.Met430Val (NM_001130979.2, NM_001130980.2, NM_001130981.2); c.1291A>G, p.Met431Val (NM_001130982.2, NM_001130985.2); short protein forms M399V, M400V, M430V, M431V.
Identifiers: ClinVar variation 1938113 (VCV001938113.2), dbSNP rs2545508437, ClinGen allele CA347214500.
Genomic context (GRCh38, chr2:71,528,312, plus strand): 5'-AGGAGAGACAGCAGGCAGGCAGTGACTGGTGTGTCCCTCTTCCCAGTGGACGATGCCGTG[A>G]TGGACAACGTGAAACAGATCTTTGGCTTCGAGAGTAACAAGAAGAACTTGGTGGACCCCT-3'
Protein context (NP_001124459.1, residues 421-441): EDLPQMDDAV[Met431Val]DNVKQIFGFE